The following is an entry in ClinVar:

ClinVar aggregate classification (germline): Uncertain significance (1 of 4 stars; one submission).

Conditions:
Hereditary cancer-predisposing syndrome. Also called: Neoplastic Syndromes, Hereditary; Tumor predisposition; Hereditary neoplastic syndrome; Hereditary Cancer Syndrome. Identifiers: Orphanet 140162, MedGen C0027672, MeSH D009386, MONDO:0015356.

Submission:

Ambry Genetics
Classification: Uncertain significance for Hereditary cancer-predisposing syndrome. Last evaluated: 2026-07-06. Review status: criteria provided, single submitter. Criteria: Ambry Variant Classification Scheme 2023. Collection method: clinical testing. Allele origin: germline.
Comment: The p.K870N variant (also known as c.2610G>C), located in coding exon 16 of the CDH1 gene, results from a G to C substitution at nucleotide position 2610. The lysine at codon 870 is replaced by asparagine, an amino acid with similar properties. This amino acid position is conserved. In addition, this alteration is predicted to be tolerated by in silico analysis. Based on the available evidence, the clinical significance of this variant remains unclear.

NM_004360.5(CDH1):c.2610G>C (p.Lys870Asn)

Gene: CDH1 (cadherin 1; plus strand). Cytogenetic location: 16q22.1.
Variant type: single nucleotide variant.
Coding change: c.2610G>C on transcript NM_004360.5 (MANE Select); coding-DNA position 2610, G replaced by C.
Protein change: p.Lys870Asn; replaces lysine 870 with asparagine.
Molecular consequence: missense variant.
Genome position (GRCh38, 1-based): chr16:68,833,460, G>C. VCF-style: chr16-68833460-G-C. GRCh37 (hg19) VCF-style: chr16-68867363-G-C.
Other names: c.2427G>C, p.Lys809Asn (NM_001317184.2); c.1062G>C, p.Lys354Asn (NM_001317185.2); c.645G>C, p.Lys215Asn (NM_001317186.2); short protein forms K809N, K215N, K354N, K870N.
Identifiers: ClinVar variation 5033908 (VCV005033908.1).